The following is an entry in ClinVar:

ClinVar aggregate classification (germline): Uncertain significance (1 of 4 stars; one submission).

Submission:

Labcorp Genetics (formerly Invitae), Labcorp
Classification: Uncertain significance. Last evaluated: 2026-01-12. Review status: criteria provided, single submitter. Criteria: Invitae Variant Classification Sherloc (09022015). Collection method: clinical testing. Allele origin: germline.
Comment: This sequence change replaces threonine, which is neutral and polar, with serine, which is neutral and polar, at codon 1311 of the SON protein (p.Thr1311Ser). This variant is not present in population databases (gnomAD no frequency). This variant has not been reported in the literature in individuals affected with SON-related conditions. An algorithm developed to predict the effect of missense changes on protein structure and function (PolyPhen-2) suggests that this variant is likely to be disruptive. In summary, the available evidence is currently insufficient to determine the role of this variant in disease. Therefore, it has been classified as a Variant of Uncertain Significance.

NM_138927.4(SON):c.3931A>T (p.Thr1311Ser)

Gene: SON (SON DNA and RNA binding protein; plus strand). Cytogenetic location: 21q22.11.
Variant type: single nucleotide variant.
Coding change: c.3931A>T on transcript NM_138927.4 (MANE Select); coding-DNA position 3931, A replaced by T.
Protein change: p.Thr1311Ser; replaces threonine 1311 with serine.
Molecular consequence: missense variant. On other transcripts: non-coding transcript variant (1), intron variant (1).
Genome position (GRCh38, 1-based): chr21:33,553,162, A>T. VCF-style: chr21-33553162-A-T. GRCh37 (hg19) VCF-style: chr21-34925468-A-T.
Other names: c.3931A>T, p.Thr1311Ser (NM_001291411.2, NM_032195.3); c.245-3994A>T (NM_001291412.3); short protein forms T1311S.
Identifiers: ClinVar variation 4734711 (VCV004734711.1).